The following is an entry in ClinVar:

NM_030958.3(SLCO5A1):c.1628C>T (p.Ser543Phe)

Gene: SLCO5A1 (solute carrier organic anion transporter family member 5A1; minus strand). Cytogenetic location: 8q13.3.
Variant type: single nucleotide variant.
Coding change: c.1628C>T on transcript NM_030958.3 (MANE Select); coding-DNA position 1628, C replaced by T.
Protein change: p.Ser543Phe; replaces serine 543 with phenylalanine.
Molecular consequence: missense variant.
Genome position (GRCh38, 1-based): chr8:69,682,338, G>A on the plus strand (C>T on the coding strand, the complement: SLCO5A1 is on the minus strand). VCF-style: chr8-69682338-G-A. GRCh37 (hg19) VCF-style: chr8-70594573-G-A.
Other names: c.1628C>T, p.Ser543Phe (NM_001146008.2); c.1463C>T, p.Ser488Phe (NM_001146009.1); c.1628C>T (NM_030958.2); short protein forms S543F, S488F.
Identifiers: ClinVar variation 2178773 (VCV002178773.5), dbSNP rs553509059, ClinGen allele CA4776520.

ClinVar aggregate classification (germline): Uncertain significance. Review status: criteria provided, multiple submitters, no conflicts (2 of 4 stars). 2 submissions from 2 submitters: Uncertain significance (2). Last evaluated 2025-12-05.

Allele frequency attached by ClinVar (database versions not stated): ExAC 0.00008; gnomAD 0.00011; TOPMed 0.00018; 1000 Genomes Project 0.00060; 1000 Genomes Project 30x 0.00062.
gnomAD v4.1: 52 of 1,601,110 alleles (0.0032%); highest among the groups gnomAD compares: Admixed American, 0.052%; 1 homozygote.

Submissions (2):

Labcorp Genetics (formerly Invitae), Labcorp
Classification: Uncertain significance. Last evaluated: 2025-12-05. Review status: criteria provided, single submitter. Criteria: Invitae Variant Classification Sherloc (09022015). Collection method: clinical testing. Allele origin: germline.
Comment: This sequence change replaces serine, which is neutral and polar, with phenylalanine, which is neutral and non-polar, at codon 543 of the SLCO5A1 protein (p.Ser543Phe). This variant is present in population databases (rs553509059, gnomAD 0.05%). This variant has not been reported in the literature in individuals affected with SLCO5A1-related conditions. ClinVar contains an entry for this variant (Variation ID: 2178773). An algorithm developed to predict the effect of missense changes on protein structure and function (PolyPhen-2) suggests that this variant is likely to be tolerated. In summary, the available evidence is currently insufficient to determine the role of this variant in disease. Therefore, it has been classified as a Variant of Uncertain Significance.

Ambry Genetics
Classification: Uncertain significance. Last evaluated: 2025-08-21. Review status: criteria provided, single submitter. Criteria: Ambry Variant Classification Scheme 2023. Collection method: clinical testing. Allele origin: germline.